The following is an entry in ClinVar:

ClinVar aggregate classification (germline): Likely benign (1 of 4 stars; one submission).

Conditions:
POLD1-related polyposis and colorectal cancer syndrome (CRCS10). Also called: Colorectal cancer 10; COLORECTAL CANCER, SUSCEPTIBILITY TO, ON CHROMOSOME 19q; Colorectal cancer, susceptibility to, 10. Identifiers: Orphanet 220460, MedGen C2675481, MONDO:0012953, OMIM 612591.

Submission:

Myriad Genetics, Inc.
Classification: Likely benign for POLD1-related polyposis and colorectal cancer syndrome. Last evaluated: 2025-02-06. Review status: criteria provided, single submitter. Criteria: Myriad Autosomal Dominant, Autosomal Recessive and X-Linked Classification Criteria (2023). Collection method: clinical testing. Allele origin: unknown.
Comment: This variant is considered likely benign. This variant is intronic and is not expected to impact mRNA splicing.

NM_002691.4(POLD1):c.1384-14A>G

Gene: POLD1 (DNA polymerase delta 1, catalytic subunit; plus strand). Cytogenetic location: 19q13.33.
Variant type: single nucleotide variant.
Coding change: c.1384-14A>G on transcript NM_002691.4 (MANE Select); 14 bases into the intron before coding-DNA position 1384, A replaced by G.
Molecular consequence: intron variant.
Genome position (GRCh38, 1-based): chr19:50,406,393, A>G. VCF-style: chr19-50406393-A-G. GRCh37 (hg19) VCF-style: chr19-50909650-A-G.
Other names: c.1384-14A>G (NM_001256849.1, NM_001308632.1).
Identifiers: ClinVar variation 3904124 (VCV003904124.1).